The following is an entry in ClinVar:

ClinVar aggregate classification (germline): Likely pathogenic (1 of 4 stars; one submission).

Conditions:
Fabry disease. Also called: ALPHA-GALACTOSIDASE A DEFICIENCY; ANDERSON-FABRY DISEASE; CERAMIDE TRIHEXOSIDASE DEFICIENCY; GLA DEFICIENCY; HEREDITARY DYSTOPIC LIPIDOSIS; Angiokeratoma corporis diffusum. Identifiers: Orphanet 324, MedGen C0002986, MONDO:0010526, OMIM 301500, HP:0001071. Disease mechanism: Fabry disease is due to inactivating mutations in the X-linked GLA gene resulting in deficiency of the enzyme Alpha Galactosidase-A., loss of function.

Submission:

Genomenon, Inc
Classification: Likely pathogenic for Fabry disease. Last evaluated: 2026-09-08. Review status: criteria provided, single submitter. Criteria: Genomenon Sequence Variant Interpretation Standards - Updated. Collection method: curation. Allele origin: germline. Affected: no.
Comment: GLA p.Leu21Arg (c.62T>G) is a missense variant that changes the amino acid at codon 21 from Leucine to Arginine. To our knowledge, this variant has not been reported in patients affected with Fabry disease in the published literature. At least one functional study has demonstrated a substantial alteration in protein function relative to the wild-type (PMID:27657681). It is absent or not present at a significant frequency in gnomAD. In silico models predict that this variant is possibly or probably damaging. In conclusion, we classify GLA p.Leu21Arg (c.62T>G) as a likely pathogenic variant.

Literature cited by the submitters: PubMed 27657681.

NM_000169.3(GLA):c.62T>G (p.Leu21Arg)

Genes: GLA (galactosidase alpha; minus strand), RPL36A-HNRNPH2 (RPL36A-HNRNPH2 readthrough; plus strand). Cytogenetic location: Xq22.1.
Variant type: single nucleotide variant.
Coding change: c.62T>G on transcript NM_000169.3 (MANE Select); coding-DNA position 62, T replaced by G.
Protein change: p.Leu21Arg; replaces leucine 21 with arginine.
Molecular consequence: missense variant. On other transcripts: non-coding transcript variant (3), intron variant (2).
Genome position (GRCh38, 1-based): chrX:101,407,842, A>C on the plus strand (T>G on the coding strand, the complement: GLA is on the minus strand). VCF-style: chrX-101407842-A-C. GRCh37 (hg19) VCF-style: chrX-100662830-A-C.
Other names: c.62T>G, p.Leu21Arg (NM_001406747.1, NM_001406748.1, NM_001406749.1); c.301-4094A>C (NM_001199973.2); c.178-4094A>C (NM_001199974.2); short protein forms L21R.
Identifiers: ClinVar variation 4087361 (VCV004087361.2).